The following is an entry in ClinVar:

ClinVar aggregate classification (germline): Uncertain significance (1 of 4 stars; one submission).

Conditions:
Autosomal recessive limb-girdle muscular dystrophy type 2J (LGMDR10). Also called: Limb-girdle muscular dystrophy, type 2J; MUSCULAR DYSTROPHY, LIMB-GIRDLE, AUTOSOMAL RECESSIVE 10. Identifiers: Orphanet 140922, MedGen C1837342, MONDO:0012127, OMIM 608807.
Dilated cardiomyopathy 1G (CMD1G). Identifiers: Orphanet 154, MedGen C1858763, MONDO:0011400, OMIM 604145.

Submission:

Labcorp Genetics (formerly Invitae), Labcorp
Classification: Uncertain significance for Dilated cardiomyopathy 1G; Autosomal recessive limb-girdle muscular dystrophy type 2J. Last evaluated: 2020-02-22. Review status: criteria provided, single submitter. Criteria: Invitae Variant Classification Sherloc (09022015). Collection method: clinical testing. Allele origin: germline.
Comment: This variant has not been reported in the literature in individuals with TTN-related disease. This variant is located in the I band of TTN (PMID: 25589632). Variants in this region may be relevant for neuromuscular disorders, but have not been definitively shown to cause cardiomyopathy (PMID: 23975875). In summary, the available evidence is currently insufficient to determine the role of this variant in disease. Therefore, it has been classified as a Variant of Uncertain Significance. Nucleotide substitutions within the consensus splice site are a relatively common cause of aberrant splicing (PMID: 17576681, 9536098). Algorithms developed to predict the effect of sequence changes on RNA splicing suggest that this variant may disrupt the consensus splice site, but this prediction has not been confirmed by published transcriptional studies. This sequence change falls in intron 77 of the TTN gene. It does not directly change the encoded amino acid sequence of the TTN protein, but it affects a nucleotide within the consensus splice site of the intron. This variant is not present in population databases (ExAC no frequency).

Literature cited by the submitters: PubMed 25589632; PubMed 23975875; PubMed 17576681; PubMed 9536098.

NM_001267550.2(TTN):c.22528+4del

Gene: TTN (titin; minus strand). Cytogenetic location: 2q31.2.
Variant type: Deletion.
Coding change: c.22528+4del on transcript NM_001267550.2 (MANE Select); 4 bases into the intron after coding-DNA position 22528, one base deleted (T; older notation c.22528+4delT).
Molecular consequence: splice donor variant. On other transcripts: intron variant (3).
Genome position (GRCh38, 1-based): chr2:178,722,255, A deleted on the plus strand (T on the coding strand, the reverse complement: TTN is on the minus strand); the first of 3 consecutive A bases (chr2:178,722,255-178,722,257); deleting any one gives the same sequence. VCF-style (leftmost placement, unchanged base first): chr2-178722254-CA-C. GRCh37 (hg19) VCF-style: chr2-179586981-CA-C.
Other names: c.13282+15827del (NM_003319.4); c.13858+15827del (NM_133437.4); c.13657+15827del (NM_133432.3); c.18796+4del (NM_133378.4); c.21577+4del (NM_001256850.1); c.22528+4delT (NM_001267550.2).
Identifiers: ClinVar variation 661576 (VCV000661576.9), dbSNP rs1578022549, ClinGen allele CA915942307.